The following is an entry in ClinVar:

ClinVar aggregate classification (germline): Pathogenic. Review status: criteria provided, multiple submitters, no conflicts (2 of 4 stars). 6 submissions from 6 submitters: Pathogenic (4). 2 of the submissions do not count toward it. Last evaluated 2024-12-11.

Conditions:
TSC2-related disorder. Also called: TSC2-related condition; TSC2-Related Disorders.
Tuberous sclerosis syndrome (TSC). Also called: Tuberous Sclerosis Complex; Tuberous sclerosis. Identifiers: Orphanet 805, MedGen C0041341, MONDO:0001734.
Tuberous sclerosis 2 (TSC2). Identifiers: Orphanet 805, MedGen C1860707, MONDO:0013199, OMIM 613254.
Hereditary cancer-predisposing syndrome. Also called: Neoplastic Syndromes, Hereditary; Tumor predisposition; Hereditary Cancer Syndrome; Hereditary neoplastic syndrome. Identifiers: Orphanet 140162, MedGen C0027672, MeSH D009386, MONDO:0015356.

Submissions (6):

Labcorp Genetics (formerly Invitae), Labcorp
Classification: Pathogenic for Tuberous sclerosis 2. Last evaluated: 2024-12-11. Review status: criteria provided, single submitter. Criteria: Invitae Variant Classification Sherloc (09022015). Collection method: clinical testing. Allele origin: germline.
Comment: This variant, c.4655_4657del, results in the deletion of 1 amino acid(s) of the TSC2 protein (p.Glu1552del), but otherwise preserves the integrity of the reading frame. This variant is not present in population databases (gnomAD no frequency). This variant has been observed in individual(s) with tuberous sclerosis (PMID: 11112665, 22903760, 23389244). In at least one individual the variant was observed to be de novo. This variant is also known as 4654_4656delGAA. ClinVar contains an entry for this variant (Variation ID: 49310). Algorithms developed to predict the effect of variants on gene product structure and function are not available or were not evaluated for this variant. Experimental studies have shown that this variant affects TSC2 function (PMID: 22903760). For these reasons, this variant has been classified as Pathogenic.

Genome-Nilou Lab
Classification: Pathogenic for Tuberous sclerosis 2. Last evaluated: 2021-11-07. Review status: criteria provided, single submitter. Criteria: ACMG Guidelines, 2015. Collection method: clinical testing. Allele origin: germline. Affected: no.

Ambry Genetics
Classification: Pathogenic for Hereditary cancer-predisposing syndrome. Last evaluated: 2021-07-17. Review status: criteria provided, single submitter. Criteria: Ambry Variant Classification Scheme 2023. Collection method: clinical testing. Allele origin: germline.
Comment: The c.4655_4657delAAG variant (also known as p.E1552del) is located in coding exon 35 of the TSC2 gene. This variant results from an in-frame AAG deletion at nucleotide positions 4655 to 4657. This results in the in-frame deletion of a glutamic acid at codon 1552. This alteration has been identified in numerous individuals with clinical features associated with tuberous sclerosis (Roberts PS et al. Hum Genet, 2002 Jul;111:96-101; Niida Y et al. J Hum Genet, 2013 Apr;58:216-25). An in vitro functional assay showed that this variant is deleterious compared to wild-type (Hoogeveen-Westerveld M et al. Hum Mutat 2013 Jan;34(1):167-75). Of note, this alteration is also described in the literature as c.4654_4656delGAA. This amino acid position is well conserved in available vertebrate species. This variant is considered to be rare based on population cohorts in the Genome Aggregation Database (gnomAD). In addition, this alteration is predicted to be deleterious by in silico analysis (Choi Y et al. PLoS ONE. 2012; 7(10):e46688). Based on the supporting evidence, this alteration is interpreted as a disease-causing mutation.

Division of Genomic Medicine, Department of Advanced Medicine, Medical Research Institute, Kanazawa Medical University
Classification: Pathogenic for Tuberous sclerosis 2. Last evaluated: 2020-07-10. Review status: criteria provided, single submitter. Criteria: ACMG Guidelines, 2015. Collection method: clinical testing. Allele origin: germline. Affected: yes. Observed: 1 variant allele.

PreventionGenetics, part of Exact Sciences
Classification: Pathogenic for TSC2-related condition. Last evaluated: 2024-06-18. Review status: no assertion criteria provided. Collection method: clinical testing. Allele origin: germline. Not counted in ClinVar's aggregate classification.
Comment: The TSC2 c.4655_4657delAAG variant is predicted to result in an in-frame deletion (p.Glu1552del). This variant was reported in patients with tuberous sclerosis (Dabora et al. 2001. PubMed ID: 11112665; Table S1, van Eeghen et al. 2012. PubMed ID: 22867869; Table S1, Togi et al. 2022. PubMed ID: 36232477; Niida et al. 2013. PubMed ID: 23389244; Roberts et al. 2002. PubMed ID: 12136241). In vitro studies found this variant reduced protein function (Hoogeveen-Westerveld et al. 2012. PubMed ID: 22903760). This variant has not been reported in a large population database, indicating this variant is rare. This variant is interpreted as pathogenic.

Tuberous sclerosis database (TSC2)
No classification provided. Condition: TSC. Review status: no classification provided. Criteria: Tuberous Sclerosis Database Assertion Criteria 2015. Collection method: curation. Allele origin: germline. Affected: yes. Not counted in ClinVar's aggregate classification.

Literature cited by the submitters: PubMed 11112665 (cited by Labcorp Genetics (formerly Invitae), Labcorp); PubMed 22903760 (cited by Labcorp Genetics (formerly Invitae), Labcorp and Ambry Genetics); PubMed 23389244 (cited by Labcorp Genetics (formerly Invitae), Labcorp and Ambry Genetics); PubMed 12136241 (cited by Ambry Genetics).

NM_000548.5(TSC2):c.4655_4657del (p.Glu1552del)

Gene: TSC2 (TSC complex subunit 2; plus strand). Cytogenetic location: 16p13.3.
Variant type: Deletion.
Coding change: c.4655_4657del on transcript NM_000548.5 (MANE Select); coding-DNA positions 4655 to 4657, 3 bases deleted (AAG; older notation c.4655_4657delAAG).
Protein change: p.Glu1552del; deletes glutamic acid 1552.
Molecular consequence: inframe deletion.
Genome position (GRCh38, 1-based): chr16:2,085,315-2,085,317, AAG deleted; deleting any 3 consecutive bases within chr16:2,085,313-2,085,317 gives the same sequence; the c. name uses the placement nearest the transcript's 3' end. VCF-style (leftmost placement, unchanged base first): chr16-2085312-GAGA-G. GRCh37 (hg19) VCF-style: chr16-2135313-GAGA-G.
Other names: c.4454_4456del, p.Glu1485del (NM_001077183.3); c.4586_4588del, p.Glu1529del (NM_001114382.3); c.4346_4348del, p.Glu1449del (NM_001318827.2); c.4310_4312del, p.Glu1437del (NM_001318829.2); c.3923_3925del, p.Glu1308del (NM_001318831.2); c.4487_4489del, p.Glu1496del (NM_001318832.2); c.4457_4459del, p.Glu1486del (NM_001363528.2); c.4523_4525del, p.Glu1508del (NM_001370404.1); and 2 more; short protein forms E1552del, E1308del, E1437del, E1485del, E1486del, E1508del, E1529del, E1496del.
Identifiers: ClinVar variation 49310 (VCV000049310.13), dbSNP rs137854146, ClinGen allele CA020824.